The following is an entry in ClinVar:

ClinVar aggregate classification (germline): Uncertain significance (1 of 4 stars; one submission).

Conditions:
Duchenne muscular dystrophy (DMD). Also called: MUSCULAR DYSTROPHY, PSEUDOHYPERTROPHIC PROGRESSIVE, DUCHENNE TYPE; Duchenne Muscular Dystrophy (DMD). Identifiers: Orphanet 98896, MedGen C0013264, MONDO:0010679, OMIM 310200.

Submission:

Labcorp Genetics (formerly Invitae), Labcorp
Classification: Uncertain significance for Duchenne muscular dystrophy. Last evaluated: 2024-01-16. Review status: criteria provided, single submitter. Criteria: Invitae Variant Classification Sherloc (09022015). Collection method: clinical testing. Allele origin: germline.
Comment: This sequence change replaces asparagine, which is neutral and polar, with lysine, which is basic and polar, at codon 3170 of the DMD protein (p.Asn3170Lys). This variant is not present in population databases (gnomAD no frequency). This variant has not been reported in the literature in individuals affected with DMD-related conditions. Advanced modeling of protein sequence and biophysical properties (such as structural, functional, and spatial information, amino acid conservation, physicochemical variation, residue mobility, and thermodynamic stability) performed at Invitae indicates that this missense variant is not expected to disrupt DMD protein function with a negative predictive value of 95%. In summary, the available evidence is currently insufficient to determine the role of this variant in disease. Therefore, it has been classified as a Variant of Uncertain Significance.

NM_004006.3(DMD):c.9510C>A (p.Asn3170Lys)

Gene: DMD (dystrophin; minus strand). Cytogenetic location: Xp21.2.
Variant type: single nucleotide variant.
Coding change: c.9510C>A on transcript NM_004006.3 (MANE Select); coding-DNA position 9510, C replaced by A.
Protein change: p.Asn3170Lys; replaces asparagine 3170 with lysine.
Molecular consequence: missense variant.
Genome position (GRCh38, 1-based): chrX:31,209,551, G>T on the plus strand (C>A on the coding strand, the complement: DMD is on the minus strand). VCF-style: chrX-31209551-G-T. GRCh37 (hg19) VCF-style: chrX-31227668-G-T.
Other names: c.9486C>A, p.Asn3162Lys (NM_000109.4); c.9498C>A, p.Asn3166Lys (NM_004009.3); c.9141C>A, p.Asn3047Lys (NM_004010.3); c.5487C>A, p.Asn1829Lys (NM_004011.4); c.5478C>A, p.Asn1826Lys (NM_004012.4); c.2130C>A, p.Asn710Lys (NM_004013.3, NM_004020.4, NM_004021.3 and 2 more transcripts); c.1323C>A, p.Asn441Lys (NM_004014.3); c.306C>A, p.Asn102Lys (NM_004015.3, NM_004016.3, NM_004017.3 and 2 more transcripts); short protein forms N3047K, N3162K, N102K, N1829K, N3170K, N710K, N3166K, N441K.
Identifiers: ClinVar variation 2709638 (VCV002709638.3), dbSNP rs751900100, ClinGen allele CA412649839.